The following is an entry in ClinVar:

ClinVar aggregate classification (germline): Pathogenic (1 of 4 stars; one submission).

Submission:

Labcorp Genetics (formerly Invitae), Labcorp
Classification: Pathogenic. Last evaluated: 2022-07-30. Review status: criteria provided, single submitter. Criteria: Invitae Variant Classification Sherloc (09022015). Collection method: clinical testing. Allele origin: germline.
Comment: For these reasons, this variant has been classified as Pathogenic. This variant has not been reported in the literature in individuals affected with ABCA4-related conditions. This variant is not present in population databases (gnomAD no frequency). This sequence change creates a premature translational stop signal (p.Thr897Profs*4) in the ABCA4 gene. It is expected to result in an absent or disrupted protein product. Loss-of-function variants in ABCA4 are known to be pathogenic (PMID: 10958761, 24938718, 25312043, 26780318).

Literature cited by the submitters: PubMed 10958761; PubMed 24938718; PubMed 25312043; PubMed 26780318.

NM_000350.3(ABCA4):c.2688del (p.Thr897fs)

Gene: ABCA4 (ATP binding cassette subfamily A member 4; minus strand). Cytogenetic location: 1p22.1.
Variant type: Deletion.
Coding change: c.2688del on transcript NM_000350.3 (MANE Select); coding-DNA position 2688, one base deleted (G; older notation c.2688delG).
Protein change: p.Thr897fs; shifts the reading frame from threonine 897.
Molecular consequence: frameshift variant.
Genome position (GRCh38, 1-based): chr1:94,048,923, C deleted on the plus strand (G on the coding strand, the reverse complement: ABCA4 is on the minus strand). VCF-style (leftmost placement, unchanged base first): chr1-94048922-TC-T. GRCh37 (hg19) VCF-style: chr1-94514478-TC-T.
Other names: c.2466delG, p.Thr823Profs (NM_001425324.1); short protein forms T897fs.
Identifiers: ClinVar variation 2020493 (VCV002020493.4), dbSNP rs2523797555, ClinGen allele CA2580063351.